The following is an entry in ClinVar:

ClinVar aggregate classification (germline): Uncertain significance. Review status: criteria provided, multiple submitters, no conflicts (2 of 4 stars). 3 submissions from 3 submitters: Uncertain significance (2). 1 of the submissions does not count toward it. Last evaluated 2024-12-19.

Conditions:
Cardiomyopathy (CMYO). Also called: Cardiomyopathies. Identifiers: Orphanet 167848, MedGen C0878544, MONDO:0004994, HP:0001638. Inheritance: Various modes of inheritance.
Duchenne muscular dystrophy (DMD). Also called: MUSCULAR DYSTROPHY, PSEUDOHYPERTROPHIC PROGRESSIVE, DUCHENNE TYPE; Duchenne Muscular Dystrophy (DMD). Identifiers: Orphanet 98896, MedGen C0013264, MONDO:0010679, OMIM 310200.
Becker muscular dystrophy (BMD). Also called: MUSCULAR DYSTROPHY, PSEUDOHYPERTROPHIC PROGRESSIVE, BECKER TYPE; Becker Muscular Dystrophy (BMD). Identifiers: Orphanet 98895, MedGen C0917713, MONDO:0010311, OMIM 300376.
Dystrophin deficiency.

Allele frequency attached by ClinVar (database versions not stated): TOPMed below 0.00001; gnomAD 0.00001 and 0.00002; gnomAD exomes 0.00005.
gnomAD v4.1: 25 of 1,209,679 alleles (0.0021%); highest among the groups gnomAD compares: East Asian, 0.074%; no homozygotes.

Submissions (3):

Labcorp Genetics (formerly Invitae), Labcorp
Classification: Uncertain significance for Duchenne muscular dystrophy. Last evaluated: 2024-12-19. Review status: criteria provided, single submitter. Criteria: Invitae Variant Classification Sherloc (09022015). Collection method: clinical testing. Allele origin: germline.
Comment: This sequence change replaces aspartic acid, which is acidic and polar, with glutamic acid, which is acidic and polar, at codon 327 of the DMD protein (p.Asp327Glu). This variant is not present in population databases (gnomAD no frequency). This variant has not been reported in the literature in individuals affected with DMD-related conditions. ClinVar contains an entry for this variant (Variation ID: 594623). Invitae Evidence Modeling of protein sequence and biophysical properties (such as structural, functional, and spatial information, amino acid conservation, physicochemical variation, residue mobility, and thermodynamic stability) indicates that this missense variant is not expected to disrupt DMD protein function with a negative predictive value of 95%. In summary, the available evidence is currently insufficient to determine the role of this variant in disease. Therefore, it has been classified as a Variant of Uncertain Significance.

Eurofins Ntd Llc (ga)
Classification: Uncertain significance. Last evaluated: 2017-10-25. Review status: criteria provided, single submitter. Criteria: EGL Classification Definitions 2015. Collection method: clinical testing. Allele origin: germline. Observed: 1 variant allele, 1 hemizygote.

Natera, Inc.
Classification: Uncertain significance for Becker muscular dystrophy; Cardiomyopathy; Duchenne muscular dystrophy; Dystrophin deficiency. Last evaluated: 2020-10-16. Review status: no assertion criteria provided. Collection method: clinical testing. Allele origin: germline. Not counted in ClinVar's aggregate classification.

NM_004006.3(DMD):c.981C>G (p.Asp327Glu)

Gene: DMD (dystrophin; minus strand). Cytogenetic location: Xp21.1.
Variant type: single nucleotide variant.
Coding change: c.981C>G on transcript NM_004006.3 (MANE Select); coding-DNA position 981, C replaced by G.
Protein change: p.Asp327Glu; replaces aspartic acid 327 with glutamic acid.
Molecular consequence: missense variant.
Genome position (GRCh38, 1-based): chrX:32,645,132, G>C on the plus strand (C>G on the coding strand, the complement: DMD is on the minus strand). VCF-style: chrX-32645132-G-C. GRCh37 (hg19) VCF-style: chrX-32663249-G-C.
Other names: c.957C>G, p.Asp319Glu (NM_000109.4); c.969C>G, p.Asp323Glu (NM_004009.3); c.612C>G, p.Asp204Glu (NM_004010.3); short protein forms D327E, D323E, D204E, D319E.
Identifiers: ClinVar variation 594623 (VCV000594623.13), dbSNP rs1017929989, ClinGen allele CA328544808.